The following is an entry in ClinVar:

ClinVar aggregate classification (germline): Uncertain significance (1 of 4 stars; one submission).

Submission:

Ambry Genetics
Classification: Uncertain significance. Last evaluated: 2024-10-24. Review status: criteria provided, single submitter. Criteria: Ambry Variant Classification Scheme 2023. Collection method: clinical testing. Allele origin: germline.
Comment: The p.H561Q variant (also known as c.1683C>A), located in coding exon 9 of the PALLD gene, results from a C to A substitution at nucleotide position 1683. The histidine at codon 561 is replaced by glutamine, an amino acid with highly similar properties. This amino acid position is conserved. In addition, this alteration is predicted to be tolerated by in silico analysis. Based on the available evidence, the clinical significance of this variant remains unclear.

NM_001166108.2(PALLD):c.1683C>A (p.His561Gln)

Gene: PALLD (palladin, cytoskeletal associated protein; plus strand). Cytogenetic location: 4q32.3.
Variant type: single nucleotide variant.
Coding change: c.1683C>A on transcript NM_001166108.2 (MANE Select); coding-DNA position 1683, C replaced by A.
Protein change: p.His561Gln; replaces histidine 561 with glutamine.
Molecular consequence: missense variant.
Genome position (GRCh38, 1-based): chr4:168,711,642, C>A. VCF-style: chr4-168711642-C-A. GRCh37 (hg19) VCF-style: chr4-169632793-C-A.
Other names: c.537C>A, p.His179Gln (NM_001166109.2); c.1683C>A, p.His561Gln (NM_016081.4); short protein forms H561Q, H179Q.
Identifiers: ClinVar variation 3413649 (VCV003413649.1).